The following is an entry in ClinVar:

NM_001097579.2(GPR34):c.418A>G (p.Ile140Val)

Genes: CASK (calcium/calmodulin dependent serine protein kinase; minus strand), GPR34 (G protein-coupled receptor 34; plus strand). Cytogenetic location: Xp11.4.
Variant type: single nucleotide variant.
Coding change: c.418A>G on transcript NM_001097579.2 (MANE Select); coding-DNA position 418, A replaced by G.
Protein change: p.Ile140Val; replaces isoleucine 140 with valine.
Molecular consequence: missense variant. On other transcripts: intron variant (5).
Genome position (GRCh38, 1-based): chrX:41,696,051, A>G. VCF-style: chrX-41696051-A-G. GRCh37 (hg19) VCF-style: chrX-41555304-A-G.
Other names: c.418A>G, p.Ile140Val (NM_005300.4); c.430-24521T>C (NM_001126055.3, NM_001410745.1, NM_001126054.3 and 2 more transcripts); short protein forms I140V.
Identifiers: ClinVar variation 5040820 (VCV005040820.1).

ClinVar aggregate classification (germline): Likely benign (1 of 4 stars; one submission).

gnomAD v4.1: 29 of 1,206,837 alleles (0.0024%); highest among the groups gnomAD compares: South Asian, 0.0035%; no homozygotes.

Submission:

CeGaT Center for Human Genetics Tuebingen
Classification: Likely benign. Last evaluated: 2026-09-01. Review status: criteria provided, single submitter. Criteria: CeGaT Center For Human Genetics Tuebingen Variant Classification Criteria Version 2. Collection method: clinical testing. Allele origin: germline. Affected: yes. Observed: 1 variant allele.
Comment: GPR34: PP2, BS2